The following is an entry in ClinVar:

NM_003896.4(ST3GAL5):c.984G>T (p.Gln328His)

Gene: ST3GAL5 (ST3 beta-galactoside alpha-2,3-sialyltransferase 5; minus strand). Cytogenetic location: 2p11.2.
Variant type: single nucleotide variant.
Coding change: c.984G>T on transcript NM_003896.4 (MANE Select); coding-DNA position 984, G replaced by T.
Protein change: p.Gln328His; replaces glutamine 328 with histidine.
Molecular consequence: missense variant. On other transcripts: intron variant (1).
Genome position (GRCh38, 1-based): chr2:85,844,420, C>A on the plus strand (G>T on the coding strand, the complement: ST3GAL5 is on the minus strand). VCF-style: chr2-85844420-C-A. GRCh37 (hg19) VCF-style: chr2-86071543-C-A.
Other names: c.915G>T, p.Gln305His (NM_001042437.2); c.600G>T, p.Gln200His (NM_001354223.2, NM_001354224.2, NM_001354226.2 and 3 more transcripts); c.900G>T, p.Gln300His (NM_001354227.2, NM_001354229.2, NM_001354238.1); c.261G>T, p.Gln87His (NM_001354247.1); c.849+1957G>T (NM_001363847.1); short protein forms Q87H, Q300H, Q200H, Q305H, Q328H.
Identifiers: ClinVar variation 659209 (VCV000659209.1), dbSNP rs1573580842, ClinGen allele CA347503398.

ClinVar aggregate classification (germline): Uncertain significance (1 of 4 stars; one submission).

Conditions:
GM3 synthase deficiency (SPDRS). Also called: SALT AND PEPPER MENTAL RETARDATION SYNDROME; AMISH INFANTILE EPILEPSY SYNDROME; SALT AND PEPPER DEVELOPMENTAL REGRESSION SYNDROME. Identifiers: Orphanet 171714, Orphanet 370933, MedGen C1836824, MONDO:0018274, OMIM 609056.

Allele frequency attached by ClinVar (database versions not stated): gnomAD exomes below 0.00001.
gnomAD v4.1: 2 of 1,614,230 alleles (0.00012%); highest among the groups gnomAD compares: Non-Finnish European, 0.00017%; no homozygotes.

Submission:

Labcorp Genetics (formerly Invitae), Labcorp
Classification: Uncertain significance for Salt and pepper developmental regression syndrome. Last evaluated: 2018-12-26. Review status: criteria provided, single submitter. Criteria: Invitae Variant Classification Sherloc (09022015). Collection method: clinical testing. Allele origin: germline.
Comment: This sequence change replaces glutamine with histidine at codon 328 of the ST3GAL5 protein (p.Gln328His). The glutamine residue is highly conserved and there is a small physicochemical difference between glutamine and histidine. This variant is not present in population databases (ExAC no frequency). This variant has not been reported in the literature in individuals with ST3GAL5-related conditions. Algorithms developed to predict the effect of missense changes on protein structure and function are either unavailable or do not agree on the potential impact of this missense change (SIFT: "Deleterious"; PolyPhen-2: "Benign"; Align-GVGD: "Class C0"). In summary, the available evidence is currently insufficient to determine the role of this variant in disease. Therefore, it has been classified as a Variant of Uncertain Significance.